The following is an entry in ClinVar:

ClinVar aggregate classification (germline): Likely benign. Review status: criteria provided, multiple submitters, no conflicts (2 of 4 stars). 2 submissions from 2 submitters: Likely benign (2). Last evaluated 2025-12-01.

Allele frequency attached by ClinVar (database versions not stated): gnomAD exomes 0.00002; ExAC 0.00005; ESP Exome Variant Server 0.00015; TOPMed 0.00023; gnomAD 0.00025; 1000 Genomes Project 30x 0.00062; 1000 Genomes Project 0.00080.
gnomAD v4.1: 73 of 1,603,138 alleles (0.0046%); highest among the groups gnomAD compares: African/African-American, 0.091%; no homozygotes.

Submissions (2):

Labcorp Genetics (formerly Invitae), Labcorp
Classification: Likely benign. Last evaluated: 2025-12-01. Review status: criteria provided, single submitter. Criteria: Invitae Variant Classification Sherloc (09022015). Collection method: clinical testing. Allele origin: germline.

CeGaT Center for Human Genetics Tuebingen
Classification: Likely benign. Last evaluated: 2022-11-01. Review status: criteria provided, single submitter. Criteria: CeGaT Center For Human Genetics Tuebingen Variant Classification Criteria Version 2. Collection method: clinical testing. Allele origin: germline. Affected: yes. Observed: 1 variant allele.
Comment: UBE3B: BP4, BP7

NM_130466.4(UBE3B):c.963C>T (p.Ser321=)

Gene: UBE3B (ubiquitin protein ligase E3B; plus strand). Cytogenetic location: 12q24.11.
Variant type: single nucleotide variant.
Coding change: c.963C>T on transcript NM_130466.4 (MANE Select); coding-DNA position 963, C replaced by T.
Protein change: p.Ser321=; no amino-acid change (serine 321 retained).
Molecular consequence: synonymous variant.
Genome position (GRCh38, 1-based): chr12:109,499,655, C>T. VCF-style: chr12-109499655-C-T. GRCh37 (hg19) VCF-style: chr12-109937460-C-T.
Other names: c.963C>T, p.Ser321= (NM_183415.3).
Identifiers: ClinVar variation 2643272 (VCV002643272.26), dbSNP rs137860364, ClinGen allele CA6777759.